The following is an entry in ClinVar:

NM_000535.7(PMS2):c.1415A>G (p.Lys472Arg)

Gene: PMS2 (PMS1 homolog 2, mismatch repair system component; minus strand). Cytogenetic location: 7p22.1.
Variant type: single nucleotide variant.
Coding change: c.1415A>G on transcript NM_000535.7 (MANE Select); coding-DNA position 1415, A replaced by G.
Protein change: p.Lys472Arg; replaces lysine 472 with arginine.
Molecular consequence: missense variant. On other transcripts: non-coding transcript variant (1).
Genome position (GRCh38, 1-based): chr7:5,987,350, T>C on the plus strand (A>G on the coding strand, the complement: PMS2 is on the minus strand). VCF-style: chr7-5987350-T-C. GRCh37 (hg19) VCF-style: chr7-6026981-T-C.
Other names: c.842A>G, p.Lys281Arg (NM_001322013.2, NM_001406909.1); c.1415A>G, p.Lys472Arg (NM_001322014.2, NM_001406871.1, NM_001406872.1); c.1106A>G, p.Lys369Arg (NM_001322015.2, NM_001406875.1, NM_001406877.1 and 5 more transcripts); c.1601A>G, p.Lys534Arg (NM_001406866.1); c.1439A>G, p.Lys480Arg (NM_001406868.1); c.1307A>G, p.Lys436Arg (NM_001406869.1); c.1259A>G, p.Lys420Arg (NM_001406870.1, NM_001322006.2); c.1217A>G, p.Lys406Arg (NM_001406873.1); and 12 more; short protein forms K215R, K285R, K337R, K369R, K406R, K472R, K350R, K416R.
Identifiers: ClinVar variation 1936833 (VCV001936833.5), dbSNP rs770421413, ClinGen allele CA043441.

ClinVar aggregate classification (germline): Conflicting classifications of pathogenicity. Review status: criteria provided, conflicting classifications (1 of 4 stars). 2 submissions from 2 submitters: Uncertain significance (1); Likely benign (1). Last evaluated 2026-08-13.

Conditions:
Hereditary nonpolyposis colorectal neoplasms. Identifiers: MedGen C0009405, MeSH D003123.
Hereditary cancer-predisposing syndrome. Also called: Hereditary neoplastic syndrome; Neoplastic Syndromes, Hereditary; Tumor predisposition; Hereditary Cancer Syndrome. Identifiers: Orphanet 140162, MedGen C0027672, MeSH D009386, MONDO:0015356.

Allele frequency attached by ClinVar (database versions not stated): gnomAD exomes below 0.00001; ExAC 0.00002.
gnomAD v4.1: 6 of 1,614,124 alleles (0.00037%); highest among the groups gnomAD compares: South Asian, 0.0066%; no homozygotes.

Submissions (2):

Ambry Genetics
Classification: Likely benign for Hereditary cancer-predisposing syndrome. Last evaluated: 2026-08-13. Review status: criteria provided, single submitter. Criteria: Ambry Variant Classification Scheme 2023. Collection method: clinical testing. Allele origin: germline.

Labcorp Genetics (formerly Invitae), Labcorp
Classification: Uncertain significance for Hereditary nonpolyposis colorectal neoplasms. Last evaluated: 2023-10-26. Review status: criteria provided, single submitter. Criteria: Invitae Variant Classification Sherloc (09022015). Collection method: clinical testing. Allele origin: germline.
Comment: This sequence change replaces lysine, which is basic and polar, with arginine, which is basic and polar, at codon 472 of the PMS2 protein (p.Lys472Arg). This variant is present in population databases (rs770421413, gnomAD 0.006%). This variant has not been reported in the literature in individuals affected with PMS2-related conditions. ClinVar contains an entry for this variant (Variation ID: 1936833). Advanced modeling of protein sequence and biophysical properties (such as structural, functional, and spatial information, amino acid conservation, physicochemical variation, residue mobility, and thermodynamic stability) performed at Invitae indicates that this missense variant is not expected to disrupt PMS2 protein function with a negative predictive value of 80%. In summary, the available evidence is currently insufficient to determine the role of this variant in disease. Therefore, it has been classified as a Variant of Uncertain Significance.